The following is an entry in ClinVar:

NM_001378457.1(DMXL2):c.5364C>G (p.Cys1788Trp)

Gene: DMXL2 (Dmx like 2; minus strand). Cytogenetic location: 15q21.2.
Variant type: single nucleotide variant.
Coding change: c.5364C>G on transcript NM_001378457.1 (MANE Select); coding-DNA position 5364, C replaced by G.
Protein change: p.Cys1788Trp; replaces cysteine 1788 with tryptophan.
Molecular consequence: missense variant. On other transcripts: non-coding transcript variant (2).
Genome position (GRCh38, 1-based): chr15:51,486,191, G>C on the plus strand (C>G on the coding strand, the complement: DMXL2 is on the minus strand). VCF-style: chr15-51486191-G-C. GRCh37 (hg19) VCF-style: chr15-51778388-G-C.
Other names: c.5364C>G, p.Cys1788Trp (NM_001174116.3, NM_001378458.1, NM_001378459.1 and 4 more transcripts); c.3456C>G, p.Cys1152Trp (NM_001174117.3); c.3345C>G, p.Cys1115Trp (NM_001378460.1); c.5124C>G, p.Cys1708Trp (NM_001378464.1); short protein forms C1152W, C1708W, C1788W, C1115W.
Identifiers: ClinVar variation 2041721 (VCV002041721.2), dbSNP rs769616991, ClinGen allele CA392426892.

ClinVar aggregate classification (germline): Uncertain significance (1 of 4 stars; one submission).

Submission:

Labcorp Genetics (formerly Invitae), Labcorp
Classification: Uncertain significance. Last evaluated: 2021-12-13. Review status: criteria provided, single submitter. Criteria: Invitae Variant Classification Sherloc (09022015). Collection method: clinical testing. Allele origin: germline.
Comment: In summary, the available evidence is currently insufficient to determine the role of this variant in disease. Therefore, it has been classified as a Variant of Uncertain Significance. Algorithms developed to predict the effect of missense changes on protein structure and function are either unavailable or do not agree on the potential impact of this missense change (SIFT: "Deleterious"; PolyPhen-2: "Probably Damaging"; Align-GVGD: "Class C0"). This variant has not been reported in the literature in individuals affected with DMXL2-related conditions. This variant is not present in population databases (gnomAD no frequency). This sequence change replaces cysteine, which is neutral and slightly polar, with tryptophan, which is neutral and slightly polar, at codon 1788 of the DMXL2 protein (p.Cys1788Trp).